The following is an entry in ClinVar:

NM_005629.4(SLC6A8):c.728G>A (p.Trp243Ter)

Gene: SLC6A8 (solute carrier family 6 member 8; plus strand). Cytogenetic location: Xq28.
Variant type: single nucleotide variant.
Coding change: c.728G>A on transcript NM_005629.4 (MANE Select); coding-DNA position 728, G replaced by A.
Protein change: p.Trp243Ter; replaces tryptophan 243 with a stop codon.
Molecular consequence: nonsense.
Genome position (GRCh38, 1-based): chrX:153,692,058, G>A. VCF-style: chrX-153692058-G-A. GRCh37 (hg19) VCF-style: chrX-152957513-G-A.
Other names: c.728G>A, p.Trp243Ter (NM_001142805.2); c.383G>A, p.Trp128Ter (NM_001142806.1); short protein forms W128*, W243*.
Identifiers: ClinVar variation 2102324 (VCV002102324.4), dbSNP rs2522158368, ClinGen allele CA415080295.

ClinVar aggregate classification (germline): Pathogenic (1 of 4 stars; one submission).

Conditions:
Creatine transporter deficiency (CCDS1). Also called: Creatine Transporter (CRTR) Deficiency; Mental retardation , X-linked with seizures, short stature and midface hypoplasia; Mental retardation , X-linked, with creatine transport deficiency; X-linked creatine transporter deficiency; X-linked creatine deficiency syndrome; SLC6A8-Related Creatine Transporter Deficiency. Identifiers: Orphanet 52503, MedGen C1845862, MONDO:0010305, OMIM 300352.

Submission:

Labcorp Genetics (formerly Invitae), Labcorp
Classification: Pathogenic for Creatine transporter deficiency. Last evaluated: 2024-10-17. Review status: criteria provided, single submitter. Criteria: Invitae Variant Classification Sherloc (09022015). Collection method: clinical testing. Allele origin: germline.
Comment: This sequence change creates a premature translational stop signal (p.Trp243*) in the SLC6A8 gene. It is expected to result in an absent or disrupted protein product. Loss-of-function variants in SLC6A8 are known to be pathogenic (PMID: 22281021). This variant is not present in population databases (gnomAD no frequency). This variant has not been reported in the literature in individuals affected with SLC6A8-related conditions. ClinVar contains an entry for this variant (Variation ID: 2102324). Algorithms developed to predict the effect of sequence changes on RNA splicing suggest that this variant may disrupt the consensus splice site. For these reasons, this variant has been classified as Pathogenic.

Literature cited by the submitters: PubMed 22281021.